The following is an entry in ClinVar:

NM_001242.5(CD27):c.467C>T (p.Thr156Ile)

Genes: CD27 (CD27 molecule; plus strand), CD27-AS1 (CD27 antisense RNA 1; minus strand). Cytogenetic location: 12p13.31.
Variant type: single nucleotide variant.
Coding change: c.467C>T on transcript NM_001242.5 (MANE Select); coding-DNA position 467, C replaced by T.
Protein change: p.Thr156Ile; replaces threonine 156 with isoleucine.
Molecular consequence: missense variant. On other transcripts: non-coding transcript variant (1).
Genome position (GRCh38, 1-based): chr12:6,450,559, C>T. VCF-style: chr12-6450559-C-T. GRCh37 (hg19) VCF-style: chr12-6559725-C-T.
Other names: short protein forms T156I.
Identifiers: ClinVar variation 1360809 (VCV001360809.8), dbSNP rs745333631, ClinGen allele CA6406993.

ClinVar aggregate classification (germline): Uncertain significance (1 of 4 stars; one submission).

Conditions:
Lymphoproliferative syndrome 2 (LPFS2). Also called: CD27 DEFICIENCY; Combined immunodeficiency due to CD27 deficiency. Identifiers: Orphanet 238505, MedGen C3554540, MONDO:0014054, OMIM 615122.

Allele frequency attached by ClinVar (database versions not stated): gnomAD 0.00001; gnomAD exomes 0.00001; TOPMed 0.00001; ExAC 0.00002.
gnomAD v4.1: 10 of 1,613,458 alleles (0.00062%); highest among the groups gnomAD compares: South Asian, 0.0077%; no homozygotes.

Submission:

Labcorp Genetics (formerly Invitae), Labcorp
Classification: Uncertain significance for Lymphoproliferative syndrome 2. Last evaluated: 2024-10-23. Review status: criteria provided, single submitter. Criteria: Invitae Variant Classification Sherloc (09022015). Collection method: clinical testing. Allele origin: germline.
Comment: This sequence change replaces threonine, which is neutral and polar, with isoleucine, which is neutral and non-polar, at codon 156 of the CD27 protein (p.Thr156Ile). This variant is present in population databases (rs745333631, gnomAD 0.006%). This variant has not been reported in the literature in individuals affected with CD27-related conditions. ClinVar contains an entry for this variant (Variation ID: 1360809). Invitae Evidence Modeling of protein sequence and biophysical properties (such as structural, functional, and spatial information, amino acid conservation, physicochemical variation, residue mobility, and thermodynamic stability) indicates that this missense variant is not expected to disrupt CD27 protein function with a negative predictive value of 80%. In summary, the available evidence is currently insufficient to determine the role of this variant in disease. Therefore, it has been classified as a Variant of Uncertain Significance.